The following is an entry in ClinVar:

ClinVar aggregate classification (germline): Uncertain significance (1 of 4 stars; one submission).

Conditions:
Cowden syndrome (CS). Also called: Cowden's disease; Cowden's syndrome; Cowden disease. Identifiers: Orphanet 201, MedGen C0018553, MONDO:0016063. Disease mechanism: gain of function.

Submission:

Labcorp Genetics (formerly Invitae), Labcorp
Classification: Uncertain significance for Cowden syndrome. Last evaluated: 2019-05-16. Review status: criteria provided, single submitter. Criteria: Invitae Variant Classification Sherloc (09022015). Collection method: clinical testing. Allele origin: germline.
Comment: This variant results in a copy number gain of the genomic region encompassing exons 3-21 of the PIK3CA gene. The 5' boundary is likely confined to intron 2. The 3' end of this event is unknown as it extends beyond the assayed region for this gene and therefore may encompass additional genes. As the precise location of this event is unknown, it may be in tandem or it may be located elsewhere in the genome. This variant has not been reported in the literature in individuals with PIK3CA-related conditions. In summary, the available evidence is currently insufficient to determine the role of this variant in disease. Therefore, it has been classified as a Variant of Uncertain Significance.

NC_000003.12:g.(?_179199680)_(179234374_?)dup

Gene: PIK3CA (phosphatidylinositol-4,5-bisphosphate 3-kinase catalytic subunit alpha; plus strand). Cytogenetic location: 3q26.32.
Variant type: Duplication.
Identifiers: ClinVar variation 832509 (VCV000832509.7).